The following is an entry in ClinVar:

NM_004341.5(CAD):c.4823G>A (p.Arg1608His)

Gene: CAD (carbamoyl-phosphate synthetase 2, aspartate transcarbamylase, and dihydroorotase; plus strand). Cytogenetic location: 2p23.3.
Variant type: single nucleotide variant.
Coding change: c.4823G>A on transcript NM_004341.5 (MANE Select); coding-DNA position 4823, G replaced by A.
Protein change: p.Arg1608His; replaces arginine 1608 with histidine.
Molecular consequence: missense variant.
Genome position (GRCh38, 1-based): chr2:27,238,150, G>A. VCF-style: chr2-27238150-G-A. GRCh37 (hg19) VCF-style: chr2-27461018-G-A.
Other names: c.4634G>A, p.Arg1545His (NM_001306079.2); short protein forms R1608H, R1545H.
Identifiers: ClinVar variation 2165634 (VCV002165634.1), dbSNP rs1313826554, ClinGen allele CA346221522.

ClinVar aggregate classification (germline): Uncertain significance (1 of 4 stars; one submission).

Submission:

Labcorp Genetics (formerly Invitae), Labcorp
Classification: Uncertain significance. Last evaluated: 2021-12-25. Review status: criteria provided, single submitter. Criteria: Invitae Variant Classification Sherloc (09022015). Collection method: clinical testing. Allele origin: germline.
Comment: This sequence change replaces arginine, which is basic and polar, with histidine, which is basic and polar, at codon 1608 of the CAD protein (p.Arg1608His). This variant is present in population databases (no rsID available, gnomAD 0.006%). This variant has not been reported in the literature in individuals affected with CAD-related conditions. Algorithms developed to predict the effect of missense changes on protein structure and function are either unavailable or do not agree on the potential impact of this missense change (SIFT: "Deleterious"; PolyPhen-2: "Probably Damaging"; Align-GVGD: "Class C0"). In summary, the available evidence is currently insufficient to determine the role of this variant in disease. Therefore, it has been classified as a Variant of Uncertain Significance.